The following is an entry in ClinVar:

ClinVar aggregate classification (germline): Uncertain significance. Review status: criteria provided, multiple submitters, no conflicts (2 of 4 stars). 3 submissions from 3 submitters: Uncertain significance (3). Last evaluated 2025-06-03.

Conditions:
Hereditary nonpolyposis colorectal neoplasms. Identifiers: MedGen C0009405, MeSH D003123.
Hereditary cancer-predisposing syndrome. Also called: Tumor predisposition; Hereditary neoplastic syndrome; Neoplastic Syndromes, Hereditary; Hereditary Cancer Syndrome. Identifiers: Orphanet 140162, MedGen C0027672, MeSH D009386, MONDO:0015356.

Allele frequency attached by ClinVar (database versions not stated): gnomAD exomes below 0.00001; ExAC 0.00001.

Submissions (3):

Labcorp Genetics (formerly Invitae), Labcorp
Classification: Uncertain significance for Hereditary nonpolyposis colorectal neoplasms. Last evaluated: 2025-06-03. Review status: criteria provided, single submitter. Criteria: Invitae Variant Classification Sherloc (09022015). Collection method: clinical testing. Allele origin: germline.
Comment: This sequence change replaces aspartic acid, which is acidic and polar, with glutamic acid, which is acidic and polar, at codon 493 of the PMS2 protein (p.Asp493Glu). This variant is present in population databases (rs773048076, gnomAD 0.006%). This variant has not been reported in the literature in individuals affected with PMS2-related conditions. ClinVar contains an entry for this variant (Variation ID: 819328). Invitae Evidence Modeling incorporating data from in vitro experimental studies (internal data) indicates that this missense variant is not expected to disrupt PMS2 function with a negative predictive value of 95%. In summary, the available evidence is currently insufficient to determine the role of this variant in disease. Therefore, it has been classified as a Variant of Uncertain Significance.

Color Diagnostics, LLC DBA Color Health
Classification: Uncertain significance for Hereditary cancer-predisposing syndrome. Last evaluated: 2024-03-06. Review status: criteria provided, single submitter. Criteria: ACMG Guidelines, 2015. Collection method: clinical testing. Allele origin: germline.
Comment: This missense variant replaces aspartic acid with glutamic acid at codon 493 of the PMS2 protein. Computational prediction tool suggests that this variant may not impact protein structure and function (internally defined REVEL score threshold <=0.5, PMID: 27666373). Splice site prediction tools suggest that this variant may not impact RNA splicing. To our knowledge, functional studies have not been performed for this variant. This variant has not been reported in individuals affected with hereditary cancer in the literature. This variant has been identified in 1/251442 chromosomes in the general population by the Genome Aggregation Database (gnomAD). The available evidence is insufficient to determine the role of this variant in disease conclusively. Therefore, this variant is classified as a Variant of Uncertain Significance.

Ambry Genetics
Classification: Uncertain significance for Hereditary cancer-predisposing syndrome. Last evaluated: 2021-11-01. Review status: criteria provided, single submitter. Criteria: Ambry Variant Classification Scheme 2023. Collection method: clinical testing. Allele origin: germline.
Comment: The p.D493E variant (also known as c.1479C>G), located in coding exon 11 of the PMS2 gene, results from a C to G substitution at nucleotide position 1479. The aspartic acid at codon 493 is replaced by glutamic acid, an amino acid with highly similar properties. This amino acid position is well conserved in available vertebrate species. In addition, this alteration is predicted to be tolerated by in silico analysis. Since supporting evidence is limited at this time, the clinical significance of this alteration remains unclear.

NM_000535.7(PMS2):c.1479C>G (p.Asp493Glu)

Gene: PMS2 (PMS1 homolog 2, mismatch repair system component; minus strand). Cytogenetic location: 7p22.1.
Variant type: single nucleotide variant.
Coding change: c.1479C>G on transcript NM_000535.7 (MANE Select); coding-DNA position 1479, C replaced by G.
Protein change: p.Asp493Glu; replaces aspartic acid 493 with glutamic acid.
Molecular consequence: missense variant. On other transcripts: non-coding transcript variant (1).
Genome position (GRCh38, 1-based): chr7:5,987,286, G>C on the plus strand (C>G on the coding strand, the complement: PMS2 is on the minus strand). VCF-style: chr7-5987286-G-C. GRCh37 (hg19) VCF-style: chr7-6026917-G-C.
Other names: c.1074C>G, p.Asp358Glu (NM_001322003.2, NM_001322004.2, NM_001322005.2 and 1 more transcripts); c.1323C>G, p.Asp441Glu (NM_001322006.2); c.1161C>G, p.Asp387Glu (NM_001322007.2, NM_001322008.2); c.918C>G, p.Asp306Glu (NM_001322010.2); c.546C>G, p.Asp182Glu (NM_001322011.2, NM_001322012.2); c.906C>G, p.Asp302Glu (NM_001322013.2); c.1479C>G, p.Asp493Glu (NM_001322014.2); c.1170C>G, p.Asp390Glu (NM_001322015.2); short protein forms D302E, D493E, D306E, D358E, D390E, D182E, D387E, D441E.
Identifiers: ClinVar variation 819328 (VCV000819328.9), dbSNP rs773048076, ClinGen allele CA043845.